The following is an entry in ClinVar:

NM_004082.5(DCTN1):c.3813G>T (p.Gln1271His)

Gene: DCTN1 (dynactin subunit 1; minus strand). Cytogenetic location: 2p13.1.
Variant type: single nucleotide variant.
Coding change: c.3813G>T on transcript NM_004082.5 (MANE Select); coding-DNA position 3813, G replaced by T.
Protein change: p.Gln1271His; replaces glutamine 1271 with histidine.
Molecular consequence: missense variant. On other transcripts: non-coding transcript variant (1).
Genome position (GRCh38, 1-based): chr2:74,361,523, C>A on the plus strand (G>T on the coding strand, the complement: DCTN1 is on the minus strand). VCF-style: chr2-74361523-C-A. GRCh37 (hg19) VCF-style: chr2-74588650-C-A.
Other names: c.3738G>T, p.Gln1246His (NM_001135040.3); c.3396G>T, p.Gln1132His (NM_001135041.3); c.3687G>T, p.Gln1229His (NM_001190836.2); c.3792G>T, p.Gln1264His (NM_001190837.2); c.3762G>T, p.Gln1254His (NM_001378991.1); c.3744G>T, p.Gln1248His (NM_001378992.1); c.3411G>T, p.Gln1137His (NM_023019.4); short protein forms Q1132H, Q1137H, Q1229H, Q1246H, Q1248H, Q1254H, Q1264H, Q1271H.
Identifiers: ClinVar variation 3756990 (VCV003756990.3).

ClinVar aggregate classification (germline): Uncertain significance. Review status: criteria provided, multiple submitters, no conflicts (2 of 4 stars). 2 submissions from 2 submitters: Uncertain significance (2). Last evaluated 2025-09-10.

Conditions:
Amyotrophic lateral sclerosis type 1 (ALS1). Also called: AMYOTROPHIC LATERAL SCLEROSIS 1, FAMILIAL. Identifiers: Orphanet 803, MedGen C1862939, MONDO:0007103, OMIM 105400.
Neuronopathy, distal hereditary motor, type 7B. Also called: HMN VIIB; LOWER MOTOR NEURON DISEASE, DYNACTIN TYPE; NEURONOPATHY, DISTAL HEREDITARY MOTOR, AUTOSOMAL DOMINANT 14; NEURONOPATHY, DISTAL HEREDITARY MOTOR, HARDING TYPE VIIB; NEUROPATHY, DISTAL HEREDITARY MOTOR, HARDING TYPE VIIB; NEUROPATHY, DISTAL HEREDITARY MOTOR, WITH VOCAL CORD PARALYSIS, HARDING TYPE VIIB. Identifiers: Orphanet 139589, MedGen C1843315, MONDO:0011879, OMIM 607641.
Perry syndrome. Also called: PARKINSONISM WITH ALVEOLAR HYPOVENTILATION AND MENTAL DEPRESSION. Identifiers: Orphanet 178509, MedGen C1868594, MONDO:0008201, OMIM 168605.
Inborn genetic diseases. Identifiers: MedGen C0950123, MeSH D030342.

Submissions (2):

Ambry Genetics
Classification: Uncertain significance for Inborn genetic diseases. Last evaluated: 2025-09-10. Review status: criteria provided, single submitter. Criteria: Ambry Variant Classification Scheme 2023. Collection method: clinical testing. Allele origin: germline.

Labcorp Genetics (formerly Invitae), Labcorp
Classification: Uncertain significance for Amyotrophic lateral sclerosis type 1; Neuronopathy, distal hereditary motor, type 7B; Perry syndrome. Last evaluated: 2025-05-08. Review status: criteria provided, single submitter. Criteria: Invitae Variant Classification Sherloc (09022015). Collection method: clinical testing. Allele origin: germline.
Comment: This sequence change replaces glutamine, which is neutral and polar, with histidine, which is basic and polar, at codon 1271 of the DCTN1 protein (p.Gln1271His). This variant is not present in population databases (gnomAD no frequency). This variant has not been reported in the literature in individuals affected with DCTN1-related conditions. ClinVar contains an entry for this variant (Variation ID: 3756990). Invitae Evidence Modeling of protein sequence and biophysical properties (such as structural, functional, and spatial information, amino acid conservation, physicochemical variation, residue mobility, and thermodynamic stability) indicates that this missense variant is not expected to disrupt DCTN1 protein function with a negative predictive value of 95%. In summary, the available evidence is currently insufficient to determine the role of this variant in disease. Therefore, it has been classified as a Variant of Uncertain Significance.